The following is an entry in ClinVar:

NM_015158.5(KANK1):c.3995C>A (p.Pro1332Gln)

Gene: KANK1 (KN motif and ankyrin repeat domains 1; plus strand). Cytogenetic location: 9p24.3.
Variant type: single nucleotide variant.
Coding change: c.3995C>A on transcript NM_015158.5 (MANE Select); coding-DNA position 3995, C replaced by A.
Protein change: p.Pro1332Gln; replaces proline 1332 with glutamine.
Molecular consequence: missense variant. On other transcripts: non-coding transcript variant (1).
Genome position (GRCh38, 1-based): chr9:744,588, C>A. VCF-style: chr9-744588-C-A. GRCh37 (hg19) VCF-style: chr9-744588-C-A.
Other names: c.3281C>A, p.Pro1094Gln (NM_001354342.2, NM_001354343.2, NM_001354339.2); c.3467C>A, p.Pro1156Gln (NM_001354344.2, NM_001354338.2, NM_001354340.2); c.3521C>A, p.Pro1174Gln (NM_153186.6, NM_001354333.2, NM_001354335.2 and 2 more transcripts); c.3941C>A, p.Pro1314Gln (NM_001354332.2); c.3995C>A, p.Pro1332Gln (NM_001354334.2, NM_001256876.3, NM_001256877.3); c.3227C>A, p.Pro1076Gln (NM_001354336.2); c.3755C>A, p.Pro1252Gln (NM_001354331.2); short protein forms P1076Q, P1094Q, P1156Q, P1174Q, P1252Q, P1314Q, P1332Q.
Identifiers: ClinVar variation 3898158 (VCV003898158.7).
Genomic context (GRCh38, chr9:744,588, plus strand): 5'-GACACAAGGACATCGCTGTTCTTCTGTATGCCCATGTCAACTTTGCAAAAGCCCAGTCTC[C>A]GGTCAGTGTTGTGCATTTGGCATTTGTAAATAGGCTGAAATCCACCAGACTGGTGGACCC-3'
Protein context (NP_055973.2, residues 1322-1342): AHVNFAKAQS[Pro1332Gln]GTPRLGRKTS

ClinVar aggregate classification (germline): Uncertain significance (1 of 4 stars; one submission).

gnomAD v4.1: 161 of 1,613,970 alleles (0.01%); highest among the groups gnomAD compares: Non-Finnish European, 0.013%; no homozygotes.

Submission:

CeGaT Center for Human Genetics Tuebingen
Classification: Uncertain significance. Last evaluated: 2025-04-01. Review status: criteria provided, single submitter. Criteria: CeGaT Center For Human Genetics Tuebingen Variant Classification Criteria Version 2. Collection method: clinical testing. Allele origin: germline. Affected: yes. Observed: 1 variant allele.
Comment: KANK1: PM2